The following is an entry in ClinVar:

ClinVar aggregate classification (germline): Likely benign (0 of 4 stars; one submission).

Conditions:
CFAP410-related disorder. Also called: CFAP410-related condition.

Allele frequency attached by ClinVar (database versions not stated): ExAC 0.00001; gnomAD 0.00001; gnomAD exomes 0.00001.
gnomAD v4.1: 4 of 1,592,652 alleles (0.00025%); highest among the groups gnomAD compares: East Asian, 0.0023%; no homozygotes.

Submission:

PreventionGenetics, part of Exact Sciences
Classification: Likely benign for CFAP410-related condition. Last evaluated: 2024-03-01. Review status: no assertion criteria provided. Collection method: clinical testing. Allele origin: germline.
Comment: This variant is classified as likely benign based on ACMG/AMP sequence variant interpretation guidelines (Richards et al. 2015 PMID: 25741868, with internal and published modifications).

NM_004928.3(CFAP410):c.374-7C>T

Gene: CFAP410 (cilia and flagella associated protein 410; minus strand). Cytogenetic location: 21q22.3.
Variant type: single nucleotide variant.
Coding change: c.374-7C>T on transcript NM_004928.3 (MANE Select); 7 bases into the intron before coding-DNA position 374, C replaced by T.
Molecular consequence: intron variant.
Genome position (GRCh38, 1-based): chr21:44,332,021, G>A on the plus strand (C>T on the coding strand, the complement: CFAP410 is on the minus strand). VCF-style: chr21-44332021-G-A. GRCh37 (hg19) VCF-style: chr21-45751904-G-A.
Other names: c.374-7C>T (NM_001271440.2, NM_001271441.2); c.251-7C>T (NM_001271442.1).
Identifiers: ClinVar variation 3054057 (VCV003054057.2), dbSNP rs776435899, ClinGen allele CA10053693.
Genomic context (GRCh38, chr21:44,332,021, plus strand): 5'-CAGTGATCTCCTCTCCCTCACTCAGTGCACGGGACAGCTCCTCCTCCGTCACAGCTTTGG[G>A]ATGAAAGACAGAAGACAGCATGAGTGGCCTCACCCACGTGCAGGCCACATGCACTGCAGC-3'